The following is an entry in ClinVar:

NM_000257.4(MYH7):c.532G>A (p.Gly178Arg)

Gene: MYH7 (myosin heavy chain 7; minus strand). Cytogenetic location: 14q11.2.
Variant type: single nucleotide variant.
Coding change: c.532G>A on transcript NM_000257.4 (MANE Select); coding-DNA position 532, G replaced by A.
Protein change: p.Gly178Arg; replaces glycine 178 with arginine.
Molecular consequence: missense variant.
Genome position (GRCh38, 1-based): chr14:23,431,868, C>T on the plus strand (G>A on the coding strand, the complement: MYH7 is on the minus strand). VCF-style: chr14-23431868-C-T. GRCh37 (hg19) VCF-style: chr14-23901077-C-T.
Other names: c.532G>A (LRG_384t1); short protein forms G178R.
Identifiers: ClinVar variation 180432 (VCV000180432.25), dbSNP rs730880156, ClinGen allele CA015959.
Genomic context (GRCh38, chr14:23,431,868, plus strand): 5'-TAACAGCAAAGTACTGGATGACCCTCTTGGTGTTGACTGTCTTCCCTGCTCCGGATTCTC[C>T]GCTGTGAAGACAGGGGCTTATTGGGCAGTGAACAATACTACTGGAGACCAGCAAGCCTCA-3'
Protein context (NP_000248.2, residues 168-188): DRENQSILIT[Gly178Arg]ESGAGKTVNT

ClinVar aggregate classification (germline): Conflicting classifications of pathogenicity. Review status: criteria provided, conflicting classifications (1 of 4 stars). 8 submissions from 8 submitters: Pathogenic (2); Likely pathogenic (2); Uncertain significance (4). Last evaluated 2026-08-10.

Conditions:
Cardiovascular phenotype. Identifiers: MedGen CN230736.
MYH7-related disorder. Also called: MYH7-related condition; MYH7-related disease; MYH7-related disorders.
Cardiomyopathy (CMYO). Also called: Cardiomyopathies. Identifiers: Orphanet 167848, MedGen C0878544, MONDO:0004994, HP:0001638. Inheritance: Various modes of inheritance.
Dilated cardiomyopathy 1I (CMD1I). Identifiers: Orphanet 154, MedGen C1858154, MONDO:0011482, OMIM 604765.
Hypertrophic cardiomyopathy. Also called: HYPERTROPHIC MYOCARDIOPATHY. Identifiers: Orphanet 217569, MedGen C0007194, MeSH D002312, MONDO:0005045, HP:0001639.

Allele frequency attached by ClinVar (database versions not stated): gnomAD exomes below 0.00001 and 0.00001.
gnomAD v4.1: 5 of 1,614,144 alleles (0.00031%); highest among the groups gnomAD compares: Admixed American, 0.0017%; no homozygotes.

Submissions (8):

GeneDx
Classification: Uncertain significance. Last evaluated: 2026-08-10. Review status: criteria provided, single submitter. Criteria: GeneDx Variant Classification Process June 2021. Collection method: clinical testing. Allele origin: germline.
Comment: Reported in patients with cardiomyopathy in published literature (PMID: 21750094, 27532257, 37652022, 37342443, 36578016); Not observed at significant frequency in large population cohorts (gnomAD); Located in the myosin motor domain, a region enriched with missense variants reported in association with HCM (PMID: 27532257, 29300372); In silico analysis supports a deleterious effect on splicing; In silico analysis supports that this missense variant has a deleterious effect on protein structure/function; This variant is associated with the following publications: (PMID: 37652022, 37342443, 36788754, 21750094, 36243179, 35113650, 27532257, Suzuki2024[preprint], 36578016, 29300372)

Clinical Genetics Laboratory, Skane University Hospital Lund
Classification: Pathogenic for Dilated cardiomyopathy 1I. Last evaluated: 2026-06-18. Review status: criteria provided, single submitter. Criteria: ACMG Guidelines, 2015. Collection method: clinical testing. Allele origin: germline. Affected: yes.
Comment: PS2_Moderate, PS4, PM1, PM2_Supporting and PP3.

Ambry Genetics
Classification: Uncertain significance for Cardiovascular phenotype. Last evaluated: 2025-11-25. Review status: criteria provided, single submitter. Criteria: Ambry Variant Classification Scheme 2023. Collection method: clinical testing. Allele origin: germline.
Comment: The p.G178R variant (also known as c.532G>A), located in coding exon 5 of the MYH7 gene, results from a G to A substitution at nucleotide position 532. The glycine at codon 178 is replaced by arginine, an amino acid with dissimilar properties. This variant was reported in individual(s) with features consistent with MYH7-related cardiomyopathy; in at least one individual, it was determined to be de novo (Waldm&uuml;ller S et al. Eur J Heart Fail, 2011 Nov;13:1185-92; Walsh R et al. Genet Med, 2017 Feb;19:192-203; Peters S et al. Circ Genom Precis Med, 2022 Apr;15:e003540; external communication; Ambry internal data). This amino acid position is highly conserved in available vertebrate species. In addition, this alteration is predicted to be deleterious by in silico analysis. Based on the available evidence, the clinical significance of this variant remains unclear.

Labcorp Genetics (formerly Invitae), Labcorp
Classification: Pathogenic for Hypertrophic cardiomyopathy. Last evaluated: 2025-11-03. Review status: criteria provided, single submitter. Criteria: Invitae Variant Classification Sherloc (09022015). Collection method: clinical testing. Allele origin: germline.
Comment: This sequence change replaces glycine, which is neutral and non-polar, with arginine, which is basic and polar, at codon 178 of the MYH7 protein (p.Gly178Arg). This variant is present in population databases (rs730880156, gnomAD 0.004%). This missense change has been observed in individual(s) with clinical features of left ventricular noncompaction, dilated cardiomyopathy, and/or hypertrophic cardiomyopathy (PMID: 21750094, 27532257; internal data). In at least one individual the variant was observed to be de novo. ClinVar contains an entry for this variant (Variation ID: 180432). An algorithm developed to predict the effect of missense changes on protein structure and function (PolyPhen-2) suggests that this variant is likely to be disruptive. Algorithms developed to predict the effect of sequence changes on RNA splicing suggest that this variant may create or strengthen a splice site. For these reasons, this variant has been classified as Pathogenic.

Laboratory of Genetics, Children's Clinical University Hospital Latvia
Classification: Likely pathogenic. Last evaluated: 2025-02-16. Review status: criteria provided, single submitter. Criteria: ACMG Guidelines, 2015. Collection method: clinical testing. Allele origin: germline. Affected: yes.

Blueprint Genetics
Classification: Likely pathogenic for MYH7-related disorders. Last evaluated: 2022-03-22. Review status: criteria provided, single submitter. Criteria: ACMG Guidelines, 2015. Collection method: clinical testing. Allele origin: germline. Affected: yes. Observed: 2 variant alleles.

CHEO Genetics Diagnostic Laboratory, Children's Hospital of Eastern Ontario
Classification: Uncertain significance for Cardiomyopathy. Last evaluated: 2022-01-07. Review status: criteria provided, single submitter. Criteria: ACMG Guidelines, 2015. Collection method: clinical testing. Allele origin: germline. Study: Canadian Open Genetics Repository.

Agnes Ginges Centre for Molecular Cardiology, Centenary Institute
Classification: Uncertain significance for Hypertrophic cardiomyopathy. Last evaluated: 2017-03-16. Review status: criteria provided, single submitter. Criteria: ACMG Guidelines, 2015. Collection method: research. Allele origin: germline. Affected: yes.
Comment: The MYH7 Gly178Arg has previously been identified in 1 HCM patient (Waldmuller S et al., 2011), 1 LVNC patient (Blueprint Genetics, ClinVar SCV000207087.1) and in at least 3 DCM patients (Genedx, ClinVar SCV000208677.6; Walsh R, et al., 2017). The variant is absent from both the 1000 genomes project and the Exome Aggregation Consortium dataset. Computational tools SIFT, MutationTaster, and PolyPhen-2 predict this variant to have a deleterious effect. Additionally PolyPhen-HCM, a tool specifically designed to predict the effects of missense variants in HCM genes (Jordan DM, et al., 2011), predicts this variant to cause disease. In summary, although MYH7 Gly178Arg is absent in the general population and in silico tools support a pathogenic role, further evidence is required to understand its role in LVNC and cardiomyopathy. Hence, we classify MYH7 Gly178Arg as a variant of "uncertain significance".

Literature cited by the submitters: PubMed 21750094 (cited by 3 submitters); PubMed 27532257 (cited by 3 submitters); PubMed 35113650 (cited by Ambry Genetics); PubMed 28606303 (cited by Agnes Ginges Centre for Molecular Cardiology, Centenary Institute).